The following is an entry in ClinVar:

ClinVar aggregate classification (germline): Pathogenic (1 of 4 stars; one submission).

Conditions:
DYRK1A-related intellectual disability syndrome (MRD7). Also called: DYRK1A Syndrome; Intellectual developmental disorder, autosomal dominant 7. Identifiers: Orphanet 464306, MedGen C5568143, MONDO:0013578, OMIM 614104.

Submission:

Human Genetics Bochum, Ruhr University Bochum
Classification: Pathogenic for DYRK1A-related intellectual disability syndrome. Last evaluated: 2024-04-23. Review status: criteria provided, single submitter. Criteria: ACMG Guidelines, 2015. Collection method: clinical testing. Allele origin: germline. Affected: yes.
Comment: ACMG criteria used to clasify this variant: PVS1, PS2, PM2_SUP

NM_001347721.2(DYRK1A):c.1072-2A>G

Gene: DYRK1A (dual specificity tyrosine phosphorylation regulated kinase 1A; plus strand). Cytogenetic location: 21q22.13.
Variant type: single nucleotide variant.
Coding change: c.1072-2A>G on transcript NM_001347721.2 (MANE Select); the canonical splice acceptor site of the intron before coding-DNA position 1072, A replaced by G.
Molecular consequence: splice acceptor variant.
Genome position (GRCh38, 1-based): chr21:37,496,116, A>G. VCF-style: chr21-37496116-A-G. GRCh37 (hg19) VCF-style: chr21-38868418-A-G.
Other names: c.1099-2A>G (NM_001396.5, NM_101395.2, NM_130438.2); c.1072-2A>G (NM_001347722.2, NM_130436.2); c.985-2A>G (NM_001347723.2).
Identifiers: ClinVar variation 4687896 (VCV004687896.1).